The following is an entry in ClinVar:

ClinVar aggregate classification (germline): Pathogenic (1 of 4 stars; one submission).

Conditions:
Ehlers-Danlos syndrome, type 4 (EDSVASC). Also called: Ehlers-Danlos syndrome vascular type; Ehlers Danlos syndrome, ecchymotic type; Ehlers Danlos syndrome, arterial type; Ehlers Danlos syndrome, Sack-Barabas type; Ehlers-Danlos Syndrome Type IV. Identifiers: Orphanet 286, MedGen C0268338, MONDO:0017314, OMIM 130050.

Submission:

Labcorp Genetics (formerly Invitae), Labcorp
Classification: Pathogenic for Ehlers-Danlos syndrome, type 4. Last evaluated: 2021-09-08. Review status: criteria provided, single submitter. Criteria: Invitae Variant Classification Sherloc (09022015). Collection method: clinical testing. Allele origin: germline.
Comment: This sequence change creates a premature translational stop signal (p.Leu61Serfs*5) in the COL3A1 gene. It is expected to result in an absent or disrupted protein product. Loss-of-function variants in COL3A1 are known to be pathogenic (PMID: 24922459). This variant is not present in population databases (ExAC no frequency). This variant has not been reported in the literature in individuals with COL3A1-related conditions. For these reasons, this variant has been classified as Pathogenic.

Literature cited by the submitters: PubMed 24922459.

NM_000090.4(COL3A1):c.181del (p.Leu61fs)

Gene: COL3A1 (collagen type III alpha 1 chain; plus strand). Cytogenetic location: 2q32.2.
Variant type: Deletion.
Coding change: c.181del on transcript NM_000090.4 (MANE Select); coding-DNA position 181, one base deleted (C; older notation c.181delC).
Protein change: p.Leu61fs; shifts the reading frame from leucine 61.
Molecular consequence: frameshift variant.
Genome position (GRCh38, 1-based): chr2:188,984,861, C deleted. VCF-style (leftmost placement, unchanged base first): chr2-188984860-TC-T. GRCh37 (hg19) VCF-style: chr2-189849586-TC-T.
Other names: short protein forms L61fs.
Identifiers: ClinVar variation 1376122 (VCV001376122.6), dbSNP rs2153501353, ClinGen allele CA2573134194.